The following is an entry in ClinVar:

ClinVar aggregate classification (germline): Uncertain significance (1 of 4 stars; one submission).

Submission:

GeneDx
Classification: Uncertain significance. Last evaluated: 2025-05-23. Review status: criteria provided, single submitter. Criteria: GeneDx Variant Classification Process June 2021. Collection method: clinical testing. Allele origin: germline. Affected: yes.
Comment: Not observed at significant frequency in large population cohorts (gnomAD); In silico analysis suggests that this missense variant does not alter protein structure/function; Has not been previously published as pathogenic or benign to our knowledge

NM_000548.5(TSC2):c.2097G>C (p.Gln699His)

Gene: TSC2 (TSC complex subunit 2; plus strand). Cytogenetic location: 16p13.3.
Variant type: single nucleotide variant.
Coding change: c.2097G>C on transcript NM_000548.5 (MANE Select); coding-DNA position 2097, G replaced by C.
Protein change: p.Gln699His; replaces glutamine 699 with histidine.
Molecular consequence: missense variant.
Genome position (GRCh38, 1-based): chr16:2,071,934, G>C. VCF-style: chr16-2071934-G-C. GRCh37 (hg19) VCF-style: chr16-2121935-G-C.
Other names: c.2097G>C, p.Gln699His (NM_001077183.3, NM_001114382.3, NM_001363528.2 and 3 more transcripts); c.1986G>C, p.Gln662His (NM_001318827.2); c.1950G>C, p.Gln650His (NM_001318829.2); c.1497G>C, p.Gln499His (NM_001318831.2); c.2130G>C, p.Gln710His (NM_001318832.2); short protein forms Q499H, Q650H, Q662H, Q699H, Q710H.
Identifiers: ClinVar variation 1302339 (VCV001302339.3), dbSNP rs2151309145, ClinGen allele CA394274734.
Genomic context (GRCh38, chr16:2,071,934, plus strand): 5'-GCGGCTGGGGTCCGTGCCCTACTCCCTGCTCTTCCGCGTCCTGCTGCAGTGCTTGAAGCA[G>C]GTGAGTGGGGCCGGGCAGGGACCATCCGTCCCACGTTGGGCCAGGAGGACAGGGAGCTGC-3'
Protein context (NP_000539.2, residues 689-709): LFRVLLQCLK[Gln699His]ESDWKVLKLV